The following is an entry in ClinVar:

NM_007294.4(BRCA1):c.1849A>G (p.Thr617Ala)

Gene: BRCA1 (BRCA1 DNA repair associated; minus strand). Cytogenetic location: 17q21.31.
Variant type: single nucleotide variant.
Coding change: c.1849A>G on transcript NM_007294.4 (MANE Select); coding-DNA position 1849, A replaced by G.
Protein change: p.Thr617Ala; replaces threonine 617 with alanine.
Molecular consequence: missense variant. On other transcripts: intron variant (137).
Genome position (GRCh38, 1-based): chr17:43,093,682, T>C on the plus strand (A>G on the coding strand, the complement: BRCA1 is on the minus strand). VCF-style: chr17-43093682-T-C. GRCh37 (hg19) VCF-style: chr17-41245699-T-C.
Other names: c.667+2164A>G (NM_001408424.1, NM_001408421.1, NM_001408431.1); c.784+1062A>G (NM_001408407.1, NM_001408402.1, NM_001408473.1 and 13 more transcripts); c.664+1062A>G (NM_001408443.1, NM_001408439.1, NM_001408425.1 and 12 more transcripts); c.670+2164A>G (NM_001408419.1, NM_001408422.1, NM_001408418.1 and 2 more transcripts); c.787+1062A>G (NM_001408403.1, NM_001407983.1, NM_001407975.1 and 19 more transcripts); c.790+1059A>G (NM_001408406.1); c.646+1062A>G (NM_001408456.1, NM_001408410.1, NM_001408458.1 and 11 more transcripts); c.643+1062A>G (NM_001408465.1, NM_001408463.1, NM_001408462.1 and 3 more transcripts); and 40 more; short protein forms T617A, T570A, T321A, T505A, T528A, T575A, T616A, T546A.
Identifiers: ClinVar variation 41807 (VCV000041807.42), dbSNP rs45564238, ClinGen allele CA001205.

ClinVar aggregate classification (germline): Conflicting classifications of pathogenicity. Review status: criteria provided, conflicting classifications (1 of 4 stars). 11 submissions from 11 submitters: Uncertain significance (8); Likely benign (1). 2 of the submissions do not count toward it. Last evaluated 2026-01-13.

Conditions:
Hereditary cancer-predisposing syndrome. Also called: Tumor predisposition; Neoplastic Syndromes, Hereditary; Hereditary Cancer Syndrome; Hereditary neoplastic syndrome. Identifiers: Orphanet 140162, MedGen C0027672, MeSH D009386, MONDO:0015356.
BRCA1-related disorder. Also called: BRCA1-related condition.
Hereditary breast ovarian cancer syndrome. Also called: Hereditary breast and ovarian cancer syndrome (HBOC); Hereditary breast and ovarian cancer syndrome; Hereditary breast and ovarian cancer; Hereditary breast and/or ovarian cancer syndrome; Breast and ovarian cancer; BRCA1- and BRCA2-Associated Hereditary Breast and Ovarian Cancer. Identifiers: Orphanet 145, MedGen C0677776, MeSH D061325, MONDO:0003582. Disease mechanism: loss of function.
Breast-ovarian cancer, familial, susceptibility to, 1 (BROVCA1). Also called: OVARIAN CANCER, SUSCEPTIBILITY TO; BRCA1 Hereditary Breast and Ovarian Cancer. Identifiers: Orphanet 145, MedGen C2676676, MONDO:0011450, OMIM 604370. Disease mechanism: loss of function.

Allele frequency attached by ClinVar (database versions not stated): gnomAD exomes below 0.00001; TOPMed 0.00001.
gnomAD v4.1: 7 of 1,614,142 alleles (0.00043%); highest among the groups gnomAD compares: African/African-American, 0.0013%; no homozygotes.

Submissions (11):

Labcorp Genetics (formerly Invitae), Labcorp
Classification: Uncertain significance for Hereditary breast ovarian cancer syndrome. Last evaluated: 2026-01-13. Review status: criteria provided, single submitter. Criteria: Invitae Variant Classification Sherloc (09022015). Collection method: clinical testing. Allele origin: germline.
Comment: This sequence change replaces threonine, which is neutral and polar, with alanine, which is neutral and non-polar, at codon 617 of the BRCA1 protein (p.Thr617Ala). This variant is not present in population databases (gnomAD no frequency). This variant has not been reported in the literature in individuals affected with BRCA1-related conditions. ClinVar contains an entry for this variant (Variation ID: 41807). Invitae Evidence Modeling of protein sequence and biophysical properties (such as structural, functional, and spatial information, amino acid conservation, physicochemical variation, residue mobility, and thermodynamic stability) indicates that this missense variant is not expected to disrupt BRCA1 protein function with a negative predictive value of 80%. In summary, the available evidence is currently insufficient to determine the role of this variant in disease. Therefore, it has been classified as a Variant of Uncertain Significance.

PreventionGenetics, part of Exact Sciences
Classification: Uncertain significance for BRCA1-related condition. Last evaluated: 2025-09-29. Review status: criteria provided, single submitter. Criteria: ACMG Guidelines, 2015. Collection method: clinical testing. Allele origin: germline.
Comment: The BRCA1 c.1849A>G variant is predicted to result in the amino acid substitution p.Thr617Ala. This variant has been reported in an individual with breast cancer (Supplemental Data, Breast Cancer Association Consortium et al. 2021. PubMed ID: 33471991). This variant was also reported as a secondary finding in individuals undergoing exome sequencing (Table S1, Johnston et al. 2012. PubMed ID: 22703879). This variant has also been reported in control populations (Supplemental Data, Breast Cancer Association Consortium et al. 2021. PubMed ID: 33471991). This variant occurs within a region of the BRCA1 gene that is predicted to be tolerant to missense variation (Table 2, Dines et al. 2020. PubMed ID: 31911673). This variant has not been reported in a large population database (gnomAD), indicating this variant is rare, and this variant has conflicting interpretations in ClinVar, ranging from uncertain to likely benign (Variation ID: 41807). At this time, the clinical significance of this variant is uncertain due to the absence of conclusive functional and genetic evidence.

Quest Diagnostics Nichols Institute San Juan Capistrano
Classification: Uncertain significance. Last evaluated: 2025-07-01. Review status: criteria provided, single submitter. Criteria: Quest Diagnostics criteria. Collection method: clinical testing. Allele origin: unknown.
Comment: The BRCA1 c.1849A>G (p.Thr617Ala) variant has been reported in the published literature in an individual with breast cancer as well as in a reportedly unaffected individual (PMID: 33471991 (2021), see also LOVD). This variant has been reported to be located in a region of the BRCA1 gene that is tolerant to missense sequence changes (PMID: 31911673 (2020)). This variant has not been reported in large, multi-ethnic general populations (Genome Aggregation Database). Analysis of this variant using bioinformatics tools for the prediction of the effect of amino acid changes on protein structure and function yielded predictions that this variant is benign. Based on the available information, we are unable to determine the clinical significance of this variant.

Ambry Genetics
Classification: Uncertain significance for Hereditary cancer-predisposing syndrome. Last evaluated: 2025-06-22. Review status: criteria provided, single submitter. Criteria: Ambry Variant Classification Scheme 2023. Collection method: clinical testing. Allele origin: germline.
Comment: The p.T617A variant (also known as c.1849A>G), located in coding exon 9 of the BRCA1 gene, results from an A to G substitution at nucleotide position 1849. The threonine at codon 617 is replaced by alanine, an amino acid with similar properties. This alteration was detected as a secondary finding in 1 out of 572 ClinSeq participants unselected for personal or family history of cancer who underwent exome sequencing; the clinical information for this particular individual was not provided (Johnston JJ et al. Am. J. Hum. Genet. 2012 Jul;91(1):97-108). This variant was also reported in 1/60,466 breast cancer cases and in 1/53,461 controls (Dorling et al. N Engl J Med. 2021 02;384:428-439). This amino acid position is not well conserved in available vertebrate species. In addition, the in silico prediction for this alteration is inconclusive. Since supporting evidence is limited at this time, the clinical significance of this alteration remains unclear.

Women's Health and Genetics/Laboratory Corporation of America, LabCorp
Classification: Uncertain significance. Last evaluated: 2024-03-05. Review status: criteria provided, single submitter. Criteria: LabCorp Variant Classification Summary - May 2015. Collection method: clinical testing. Allele origin: germline.
Comment: Variant summary: BRCA1 c.1849A>G (p.Thr617Ala) results in a non-conservative amino acid change in the encoded protein sequence. Four of five in-silico tools predict a benign effect of the variant on protein function. The variant was absent in 251132 control chromosomes. The available data on variant occurrences in the general population are insufficient to allow any conclusion about variant significance. To our knowledge, no occurrence of c.1849A>G in individuals affected with Hereditary Breast And Ovarian Cancer Syndrome and no experimental evidence demonstrating its impact on protein function have been reported. The variant was detected in one individual in the FLOSSIES database (women 70+ years of age without cancer). ClinVar contains an entry for this variant (Variation ID: 41807). Based on the evidence outlined above, the variant was classified as uncertain significance.

Color Diagnostics, LLC DBA Color Health
Classification: Uncertain significance for Hereditary cancer-predisposing syndrome. Last evaluated: 2024-01-18. Review status: criteria provided, single submitter. Criteria: ACMG Guidelines, 2015. Collection method: clinical testing. Allele origin: germline.
Comment: This missense variant replaces threonine with alanine at codon 617 of the BRCA1 protein. Computational prediction is inconclusive regarding the impact of this variant on protein structure and function. To our knowledge, functional studies have not been reported for this variant. This variant has been detected in a breast cancer case-control meta-analysis in 1/60466 cases and 1/53461 unaffected individuals (PMID: 33471991; Leiden Open Variation Database DB-ID BRCA1_006481). This variant has not been identified in the general population by the Genome Aggregation Database (gnomAD). The available evidence is insufficient to determine the role of this variant in disease conclusively. Therefore, this variant is classified as a Variant of Uncertain Significance.

All of Us Research Program, National Institutes of Health
Classification: Uncertain significance for Breast-ovarian cancer, familial, susceptibility to, 1. Last evaluated: 2023-11-30. Review status: criteria provided, single submitter. Criteria: ACMG Guidelines, 2015. Collection method: clinical testing. Allele origin: germline. Inheritance: Autosomal dominant inheritance. Observed: 1 variant allele, 1 heterozygote.
Comment: This missense variant replaces threonine with alanine at codon 617 of the BRCA1 protein. Computational prediction is inconclusive regarding the impact of this variant on protein structure and function (internally defined REVEL score threshold 0.5 < inconclusive < 0.7, PMID: 27666373). To our knowledge, functional studies have not been reported for this variant. This variant has not been reported in individuals affected with hereditary cancer in the literature. This variant has not been identified in the general population by the Genome Aggregation Database (gnomAD). The available evidence is insufficient to determine the role of this variant in disease conclusively. Therefore, this variant is classified as a Variant of Uncertain Significance.

This study involves interpretation of variants in research participants for the purpose of population health screening. Participant phenotype was not available at the time of variant classification. Additional details can be found in publication PMID: 35346344, PMCID: PMC8962531

GeneDx
Classification: Uncertain significance. Last evaluated: 2023-08-22. Review status: criteria provided, single submitter. Criteria: GeneDx Variant Classification Process June 2021. Collection method: clinical testing. Allele origin: germline. Affected: yes.
Comment: In silico analysis supports that this missense variant has a deleterious effect on protein structure/function; Not observed at significant frequency in large population cohorts (gnomAD); Observed in cases and controls in a breast cancer study (Dorling et al., 2021); Also known as 1968A>G; This variant is associated with the following publications: (PMID: 22703879, 30244837, 29884841, 15343273, 32377563, 33471991)

University of Washington Department of Laboratory Medicine, University of Washington
Classification: Likely benign for Hereditary cancer-predisposing syndrome. Last evaluated: 2023-03-23. Review status: criteria provided, single submitter. Criteria: Dines et al. (Genet Med. 2020). Collection method: curation. Allele origin: germline.
Comment: Missense variant in a coldspot region where missense variants are very unlikely to be pathogenic (PMID:31911673).

BRCA1 coldspot (exon 11 using historical exon numbering). Reclassification based on statistical prior probability

Counsyl
Classification: Uncertain significance for Breast-ovarian cancer, familial, susceptibility to, 1. Last evaluated: 2015-11-18. Review status: no assertion criteria provided. Collection method: clinical testing. Allele origin: unknown. Not counted in ClinVar's aggregate classification.

Biesecker Lab/Clinical Genomics Section, National Institutes of Health
Classification: Uncertain significance. Last evaluated: 2012-07-13. Review status: no assertion criteria provided. Collection method: research. Allele origin: germline. Affected: no. Observed: 1 variant allele. Study: ClinSeq. Not counted in ClinVar's aggregate classification.
ClinVar note: Converted during submission from variant of unknown significance to Uncertain significance.

Literature cited by the submitters: PubMed 33471991 (cited by 3 submitters); PubMed 31911673 (cited by Quest Diagnostics Nichols Institute San Juan Capistrano).